The following is an entry in ClinVar:

NM_000246.4(CIITA):c.20G>A (p.Arg7His)

Genes: CIITA (class II major histocompatibility complex transactivator; plus strand), LOC130058443 (ATAC-STARR-seq lymphoblastoid active region 10394; plus strand). Cytogenetic location: 16p13.13.
Variant type: single nucleotide variant.
Coding change: c.20G>A on transcript NM_000246.4 (MANE Select); coding-DNA position 20, G replaced by A.
Protein change: p.Arg7His; replaces arginine 7 with histidine.
Molecular consequence: missense variant. On other transcripts: non-coding transcript variant (1).
Genome position (GRCh38, 1-based): chr16:10,877,350, G>A. VCF-style: chr16-10877350-G-A. GRCh37 (hg19) VCF-style: chr16-10971207-G-A.
Other names: c.20G>A, p.Arg7His (NM_001286402.1, NM_001286403.2, NM_001379330.1 and 3 more transcripts); short protein forms R7H.
Identifiers: ClinVar variation 661814 (VCV000661814.6), dbSNP rs374703179, ClinGen allele CA7899530.
Genomic context (GRCh38, chr16:10,877,350, plus strand): 5'-CCAGACTCCGGGAGCTGCTGCCTGGCTGGGATTCCTACACAATGCGTTGCCTGGCTCCAC[G>A]CCCTGCTGGGTCCTACCTGTCAGAGCCCCAAGGTAAAAAGGCCGGGAAAGCATCTTAATT-3'
Protein context (NP_000237.2, residues 1-17): MRCLAP[Arg7His]PAGSYLSEPQ

ClinVar aggregate classification (germline): Conflicting classifications of pathogenicity. Review status: criteria provided, conflicting classifications (1 of 4 stars). 3 submissions from 3 submitters: Uncertain significance (1); Likely benign (1). 1 of the submissions does not count toward it. Last evaluated 2022-08-10.

Conditions:
MHC class II deficiency. Also called: Bare lymphocyte syndrome 2; BLS, TYPE II. Identifiers: Orphanet 572, MedGen C5447452, MONDO:0008855.
Inborn genetic diseases. Identifiers: MedGen C0950123, MeSH D030342.

Allele frequency attached by ClinVar (database versions not stated): ExAC 0.00008; ESP Exome Variant Server 0.00008; TOPMed 0.00008; gnomAD exomes 0.00010; gnomAD 0.00005 and 0.00007.
gnomAD v4.1: 251 of 1,613,156 alleles (0.016%); highest among the groups gnomAD compares: Non-Finnish European, 0.018%; no homozygotes.

Submissions (3):

Labcorp Genetics (formerly Invitae), Labcorp
Classification: Uncertain significance for MHC class II deficiency. Last evaluated: 2022-08-10. Review status: criteria provided, single submitter. Criteria: Invitae Variant Classification Sherloc (09022015). Collection method: clinical testing. Allele origin: germline.
Comment: This sequence change replaces arginine, which is basic and polar, with histidine, which is basic and polar, at codon 7 of the CIITA protein (p.Arg7His). This variant is present in population databases (rs374703179, gnomAD 0.02%). This variant has not been reported in the literature in individuals affected with CIITA-related conditions. ClinVar contains an entry for this variant (Variation ID: 661814). Algorithms developed to predict the effect of missense changes on protein structure and function output the following: SIFT: "Tolerated"; PolyPhen-2: "Benign"; Align-GVGD: "Class C0". The histidine amino acid residue is found in multiple mammalian species, which suggests that this missense change does not adversely affect protein function. In summary, the available evidence is currently insufficient to determine the role of this variant in disease. Therefore, it has been classified as a Variant of Uncertain Significance.

Ambry Genetics
Classification: Likely benign for Inborn genetic diseases. Last evaluated: 2022-06-24. Review status: criteria provided, single submitter. Criteria: Ambry Variant Classification Scheme 2023. Collection method: clinical testing. Allele origin: germline.

Natera, Inc.
Classification: Uncertain significance for Bare lymphocyte syndrome type II. Last evaluated: 2020-04-24. Review status: no assertion criteria provided. Collection method: clinical testing. Allele origin: germline. Not counted in ClinVar's aggregate classification.